The following is an entry in ClinVar:

NM_004333.6(BRAF):c.2206G>A (p.Ala736Thr)

Gene: BRAF (B-Raf proto-oncogene, serine/threonine kinase; minus strand). Cytogenetic location: 7q34.
Variant type: single nucleotide variant.
Coding change: c.2206G>A on transcript NM_004333.6 (MANE Select); coding-DNA position 2206, G replaced by A.
Protein change: p.Ala736Thr; replaces alanine 736 with threonine.
Molecular consequence: missense variant. On other transcripts: intron variant (2).
Genome position (GRCh38, 1-based): chr7:140,734,692, C>T on the plus strand (G>A on the coding strand, the complement: BRAF is on the minus strand). VCF-style: chr7-140734692-C-T. GRCh37 (hg19) VCF-style: chr7-140434492-C-T.
Other names: c.2206G>A, p.Ala736Thr (NM_001354609.2); c.2326G>A, p.Ala776Thr (NM_001374244.1, NM_001374258.1); c.2215G>A, p.Ala739Thr (NM_001378467.1); c.2140G>A, p.Ala714Thr (NM_001378469.1); c.2104G>A, p.Ala702Thr (NM_001378470.1); c.2095G>A, p.Ala699Thr (NM_001378471.1); c.2050G>A, p.Ala684Thr (NM_001378472.1, NM_001378473.1); c.1942G>A, p.Ala648Thr (NM_001378475.1); and 1 more; short protein forms A648T, A739T, A776T, A702T, A714T, A736T, A684T, A699T.
Identifiers: ClinVar variation 4740927 (VCV004740927.1).

ClinVar aggregate classification (germline): Uncertain significance (1 of 4 stars; one submission).

Conditions:
RASopathy. Also called: Noonan spectrum disorder; rasopathies. Identifiers: Orphanet 536391, MedGen C5555857, MONDO:0021060.

Submission:

Labcorp Genetics (formerly Invitae), Labcorp
Classification: Uncertain significance for RASopathy. Last evaluated: 2025-02-18. Review status: criteria provided, single submitter. Criteria: Invitae Variant Classification Sherloc (09022015). Collection method: clinical testing. Allele origin: germline.
Comment: This sequence change replaces alanine, which is neutral and non-polar, with threonine, which is neutral and polar, at codon 736 of the BRAF protein (p.Ala736Thr). This variant is not present in population databases (gnomAD no frequency). This variant has not been reported in the literature in individuals affected with BRAF-related conditions. Invitae Evidence Modeling of protein sequence and biophysical properties (such as structural, functional, and spatial information, amino acid conservation, physicochemical variation, residue mobility, and thermodynamic stability) indicates that this missense variant is not expected to disrupt BRAF protein function with a negative predictive value of 80%. In summary, the available evidence is currently insufficient to determine the role of this variant in disease. Therefore, it has been classified as a Variant of Uncertain Significance.